The following is an entry in ClinVar:

ClinVar aggregate classification (germline): Conflicting classifications of pathogenicity. Review status: criteria provided, conflicting classifications (1 of 4 stars). 3 submissions from 3 submitters: Uncertain significance (2); Likely benign (1). Last evaluated 2025-12-30.

Conditions:
Myofibrillar myopathy 5. Also called: FILAMINOPATHY, AUTOSOMAL DOMINANT; Filaminopathy (type). Identifiers: Orphanet 171445, MedGen C1836050, MONDO:0012289, OMIM 609524.
Distal myopathy with posterior leg and anterior hand involvement. Also called: WILLIAMS DISTAL MYOPATHY. Identifiers: Orphanet 63273, MedGen C3279722, MONDO:0013550, OMIM 614065.
Hypertrophic cardiomyopathy 26. Also called: Cardiomyopathy, familial hypertrophic, 26. Identifiers: Orphanet 75249, MedGen C4310749, MONDO:0014883, OMIM 617047.
Cardiovascular phenotype. Identifiers: MedGen CN230736.

Allele frequency attached by ClinVar (database versions not stated): gnomAD 0.00001 and 0.00002; TOPMed 0.00001; ExAC 0.00002; gnomAD exomes 0.00002; 1000 Genomes Project 30x 0.00016; 1000 Genomes Project 0.00020.
gnomAD v4.1: 19 of 1,613,842 alleles (0.0012%); highest among the groups gnomAD compares: Middle Eastern, 0.016%; no homozygotes.

Submissions (3):

Labcorp Genetics (formerly Invitae), Labcorp
Classification: Likely benign for Distal myopathy with posterior leg and anterior hand involvement; Myofibrillar myopathy 5; Hypertrophic cardiomyopathy 26. Last evaluated: 2025-12-30. Review status: criteria provided, single submitter. Criteria: Invitae Variant Classification Sherloc (09022015). Collection method: clinical testing. Allele origin: germline.

Ambry Genetics
Classification: Uncertain significance for Cardiovascular phenotype. Last evaluated: 2025-05-08. Review status: criteria provided, single submitter. Criteria: Ambry Variant Classification Scheme 2023. Collection method: clinical testing. Allele origin: germline.
Comment: The p.R1167H variant (also known as c.3500G>A), located in coding exon 21 of the FLNC gene, results from a G to A substitution at nucleotide position 3500. The arginine at codon 1167 is replaced by histidine, an amino acid with highly similar properties. This amino acid position is well conserved in available vertebrate species. In addition, this alteration is predicted to be tolerated by in silico analysis. Based on the available evidence, the clinical significance of this variant remains unclear.

Revvity Omics, Revvity
Classification: Uncertain significance. Last evaluated: 2019-04-01. Review status: criteria provided, single submitter. Criteria: ACMG Guidelines, 2015. Collection method: clinical testing. Allele origin: germline.

NM_001458.5(FLNC):c.3500G>A (p.Arg1167His)

Gene: FLNC (filamin C; plus strand). Cytogenetic location: 7q32.1.
Variant type: single nucleotide variant.
Coding change: c.3500G>A on transcript NM_001458.5 (MANE Select); coding-DNA position 3500, G replaced by A.
Protein change: p.Arg1167His; replaces arginine 1167 with histidine.
Molecular consequence: missense variant.
Genome position (GRCh38, 1-based): chr7:128,844,965, G>A. VCF-style: chr7-128844965-G-A. GRCh37 (hg19) VCF-style: chr7-128485019-G-A.
Other names: c.3500G>A, p.Arg1167His (NM_001127487.2); short protein forms R1167H.
Identifiers: ClinVar variation 852400 (VCV000852400.13), dbSNP rs574074583, ClinGen allele CA4475057.